The following is an entry in ClinVar:

ClinVar aggregate classification (germline): Conflicting classifications of pathogenicity. Review status: criteria provided, conflicting classifications (1 of 4 stars). 2 submissions from 2 submitters: Uncertain significance (1); Likely benign (1). Last evaluated 2023-06-01.

Allele frequency attached by ClinVar (database versions not stated): 1000 Genomes Project 30x 0.00016; 1000 Genomes Project 0.00020; ESP Exome Variant Server 0.00031; TOPMed 0.00033; gnomAD 0.00046; gnomAD exomes 0.00051; ExAC 0.00071.
gnomAD v4.1: 831 of 1,614,170 alleles (0.051%); highest among the groups gnomAD compares: Middle Eastern, 0.26%; 6 homozygotes.

Submissions (2):

Ambry Genetics
Classification: Uncertain significance. Last evaluated: 2023-06-01. Review status: criteria provided, single submitter. Criteria: Ambry Variant Classification Scheme 2023. Collection method: clinical testing. Allele origin: germline.

CeGaT Center for Human Genetics Tuebingen
Classification: Likely benign. Last evaluated: 2023-04-01. Review status: criteria provided, single submitter. Criteria: CeGaT Center For Human Genetics Tuebingen Variant Classification Criteria Version 2. Collection method: clinical testing. Allele origin: germline. Affected: yes. Observed: 1 variant allele.
Comment: MPRIP: BP4

NM_001364716.4(MPRIP):c.1601G>A (p.Arg534Lys)

Gene: MPRIP (myosin phosphatase Rho interacting protein; plus strand). Cytogenetic location: 17p11.2.
Variant type: single nucleotide variant.
Coding change: c.1601G>A on transcript NM_001364716.4 (MANE Select); coding-DNA position 1601, G replaced by A.
Protein change: p.Arg534Lys; replaces arginine 534 with lysine.
Molecular consequence: missense variant.
Genome position (GRCh38, 1-based): chr17:17,147,359, G>A. VCF-style: chr17-17147359-G-A. GRCh37 (hg19) VCF-style: chr17-17050673-G-A.
Other names: c.1247G>A, p.Arg416Lys (NM_015134.4, NM_201274.4); short protein forms R416K, R534K.
Identifiers: ClinVar variation 2560802 (VCV002560802.26), dbSNP rs200990767, ClinGen allele CA8414720.